The following is an entry in ClinVar:

ClinVar aggregate classification (germline): Uncertain significance (1 of 4 stars; one submission).

Conditions:
WDFY4-related disorder. Also called: WDFY4-related condition.

gnomAD v4.1: 3 of 1,547,808 alleles (0.00019%); highest among the groups gnomAD compares: South Asian, 0.0012%; no homozygotes.

Submission:

PreventionGenetics, part of Exact Sciences
Classification: Uncertain significance for WDFY4-related condition. Last evaluated: 2026-06-25. Review status: criteria provided, single submitter. Criteria: ACMG Guidelines, 2015. Collection method: clinical testing. Allele origin: germline.
Comment: The WDFY4 c.6271C>T variant is predicted to result in the amino acid substitution p.His2091Tyr. To our knowledge, this variant has not been reported in the literature or in a large population database (gnomAD), indicating this variant is rare. At this time, the clinical significance of this variant is uncertain due to the absence of conclusive functional and genetic evidence.

NM_001394531.1(WDFY4):c.6271C>T (p.His2091Tyr)

Gene: WDFY4 (WDFY family member 4; plus strand). Cytogenetic location: 10q11.23.
Variant type: single nucleotide variant.
Coding change: c.6271C>T on transcript NM_001394531.1 (MANE Select); coding-DNA position 6271, C replaced by T.
Protein change: p.His2091Tyr; replaces histidine 2091 with tyrosine.
Molecular consequence: missense variant.
Genome position (GRCh38, 1-based): chr10:48,828,827, C>T. VCF-style: chr10-48828827-C-T. GRCh37 (hg19) VCF-style: chr10-50036872-C-T.
Other names: c.6271C>T, p.His2091Tyr (NM_020945.2); short protein forms H2091Y.
Identifiers: ClinVar variation 4993976 (VCV004993976.1).